The following is an entry in ClinVar:

NM_007194.4(CHEK2):c.891T>A (p.Tyr297Ter)

Gene: CHEK2 (checkpoint kinase 2; minus strand). Cytogenetic location: 22q12.1.
Variant type: single nucleotide variant.
Coding change: c.891T>A on transcript NM_007194.4 (MANE Select); coding-DNA position 891, T replaced by A.
Protein change: p.Tyr297Ter; replaces tyrosine 297 with a stop codon.
Molecular consequence: nonsense.
Genome position (GRCh38, 1-based): chr22:28,703,522, A>T on the plus strand (T>A on the coding strand, the complement: CHEK2 is on the minus strand). VCF-style: chr22-28703522-A-T. GRCh37 (hg19) VCF-style: chr22-29099510-A-T.
Other names: c.1020T>A, p.Tyr340Ter (NM_001005735.3); c.228T>A, p.Tyr76Ter (NM_001257387.3); c.690T>A, p.Tyr230Ter (NM_001349956.3); c.891T>A, p.Tyr297Ter (NM_145862.3); short protein forms Y230*, Y297*, Y340*, Y76*.
Identifiers: ClinVar variation 2583295 (VCV002583295.2), dbSNP rs2517885679, ClinGen allele CA411101023.

ClinVar aggregate classification (germline): Pathogenic (1 of 4 stars; one submission).

Conditions:
Familial cancer of breast. Also called: Hereditary breast cancer; BREAST CANCER, FAMILIAL; hereditary breast carcinoma. Identifiers: Orphanet 227535, MedGen C0346153, MONDO:0016419, OMIM 114480. Disease mechanism: loss of function.

Submission:

Myriad Genetics, Inc.
Classification: Pathogenic for Familial cancer of breast. Last evaluated: 2023-06-27. Review status: criteria provided, single submitter. Criteria: Myriad Autosomal Dominant, Autosomal Recessive and X-Linked Classification Criteria (2023). Collection method: clinical testing. Allele origin: unknown.
Comment: This variant is considered pathogenic. This variant creates a termination codon and is predicted to result in premature protein truncation.